The following is an entry in ClinVar:

ClinVar aggregate classification (germline): Uncertain significance (1 of 4 stars; one submission).

Conditions:
Primary ciliary dyskinesia. Also called: Ciliary dyskinesia. Identifiers: Orphanet 244, MedGen C0008780, MONDO:0016575, HP:0012265.

Submission:

Labcorp Genetics (formerly Invitae), Labcorp
Classification: Uncertain significance for Primary ciliary dyskinesia. Last evaluated: 2022-04-04. Review status: criteria provided, single submitter. Criteria: Invitae Variant Classification Sherloc (09022015). Collection method: clinical testing. Allele origin: germline.
Comment: A copy number gain of the genomic region encompassing the full coding sequence of the DNAAF1 gene has been identified. The boundaries of this event are unknown as they extend beyond the assayed region for this gene and therefore may encompass additional genes. As the precise location of this event is unknown, it may be in tandem or it may be located elsewhere in the genome. This variant has not been reported in the literature in individuals affected with DNAAF1-related conditions. In summary, the available evidence is currently insufficient to determine the role of this variant in disease. Therefore, it has been classified as a Variant of Uncertain Significance.

NC_000016.9:g.(?_83932750)_(84211465_?)dup

Genes: DNAAF1 (dynein axonemal assembly factor 1; plus strand), HSDL1 (hydroxysteroid dehydrogenase like 1; minus strand), MBTPS1 (membrane bound transcription factor peptidase, site 1; minus strand), MLYCD (malonyl-CoA decarboxylase; plus strand), NECAB2 (N-terminal EF-hand calcium binding protein 2; plus strand) and 3 more. Cytogenetic location: 16q23.3-24.1.
Variant type: Duplication.
Identifiers: ClinVar variation 2427571 (VCV002427571.11).